The following is an entry in ClinVar:

ClinVar aggregate classification (germline): Pathogenic (1 of 4 stars; one submission).

Conditions:
Peroxisome biogenesis disorder. Identifiers: Orphanet 79189, MedGen C1832200, MONDO:0019234. Disease mechanism: loss of function.

Submission:

Labcorp Genetics (formerly Invitae), Labcorp
Classification: Pathogenic for Peroxisome biogenesis disorder. Last evaluated: 2023-10-13. Review status: criteria provided, single submitter. Criteria: Invitae Variant Classification Sherloc (09022015). Collection method: clinical testing. Allele origin: germline.
Comment: This sequence change creates a premature translational stop signal (p.Gln240*) in the PEX16 gene. It is expected to result in an absent or disrupted protein product. Loss-of-function variants in PEX16 are known to be pathogenic (PMID: 9837814, 11890679, 20647552, 20681997). This variant is not present in population databases (gnomAD no frequency). This variant has not been reported in the literature in individuals affected with PEX16-related conditions. ClinVar contains an entry for this variant (Variation ID: 1415802). For these reasons, this variant has been classified as Pathogenic.

Literature cited by the submitters: PubMed 9837814; PubMed 11890679; PubMed 20647552; PubMed 20681997.

NM_004813.4(PEX16):c.718C>T (p.Gln240Ter)

Gene: PEX16 (peroxisomal biogenesis factor 16; minus strand). Cytogenetic location: 11p11.2.
Variant type: single nucleotide variant.
Coding change: c.718C>T on transcript NM_004813.4 (MANE Select); coding-DNA position 718, C replaced by T.
Protein change: p.Gln240Ter; replaces glutamine 240 with a stop codon.
Molecular consequence: nonsense.
Genome position (GRCh38, 1-based): chr11:45,914,180, G>A on the plus strand (C>T on the coding strand, the complement: PEX16 is on the minus strand). VCF-style: chr11-45914180-G-A. GRCh37 (hg19) VCF-style: chr11-45935731-G-A.
Other names: c.718C>T, p.Gln240Ter (NM_057174.3); short protein forms Q240*.
Identifiers: ClinVar variation 1415802 (VCV001415802.6), dbSNP rs2134692559, ClinGen allele CA380226817.